The following is an entry in ClinVar:

ClinVar aggregate classification (germline): Uncertain significance (1 of 4 stars; one submission).

Conditions:
Primary ciliary dyskinesia. Also called: Ciliary dyskinesia. Identifiers: Orphanet 244, MedGen C0008780, MONDO:0016575, HP:0012265.

Submission:

Labcorp Genetics (formerly Invitae), Labcorp
Classification: Uncertain significance for Primary ciliary dyskinesia. Last evaluated: 2018-08-28. Review status: criteria provided, single submitter. Criteria: Invitae Variant Classification Sherloc (09022015). Collection method: clinical testing. Allele origin: germline.
Comment: This sequence change replaces glycine with serine at codon 72 of the DNAAF1 protein (p.Gly72Ser). The glycine residue is moderately conserved and there is a small physicochemical difference between glycine and serine. This variant is not present in population databases (ExAC no frequency). This variant has not been reported in the literature in individuals with DNAAF1-related disease. Algorithms developed to predict the effect of missense changes on protein structure and function output the following: SIFT: "Tolerated"; PolyPhen-2: "Benign"; Align-GVGD: "Class C0". The serine amino acid residue is found in multiple mammalian species, suggesting that this missense change does not adversely affect protein function. These predictions have not been confirmed by published functional studies and their clinical significance is uncertain. In summary, the available evidence is currently insufficient to determine the role of this variant in disease. Therefore, it has been classified as a Variant of Uncertain Significance.

NM_178452.6(DNAAF1):c.214G>A (p.Gly72Ser)

Gene: DNAAF1 (dynein axonemal assembly factor 1; plus strand). Cytogenetic location: 16q24.1.
Variant type: single nucleotide variant.
Coding change: c.214G>A on transcript NM_178452.6 (MANE Select); coding-DNA position 214, G replaced by A.
Protein change: p.Gly72Ser; replaces glycine 72 with serine.
Molecular consequence: missense variant.
Genome position (GRCh38, 1-based): chr16:84,149,096, G>A. VCF-style: chr16-84149096-G-A. GRCh37 (hg19) VCF-style: chr16-84182701-G-A.
Other names: short protein forms G72S.
Identifiers: ClinVar variation 652542 (VCV000652542.9), dbSNP rs1597398065, ClinGen allele CA396940259.